The following is an entry in ClinVar:

ClinVar aggregate classification (germline): Likely benign (0 of 4 stars; one submission).

Conditions:
PI4KA-related disorder. Also called: PI4KA-related condition; PI4KA-related disorders. Identifiers: MedGen CN378147, MONDO:1040012.

Allele frequency attached by ClinVar (database versions not stated): ExAC 0.00012; gnomAD 0.00016; ESP Exome Variant Server 0.00031.
gnomAD v4.1: 502 of 1,559,560 alleles (0.032%); highest among the groups gnomAD compares: Non-Finnish European, 0.04%; no homozygotes.

Submission:

PreventionGenetics, part of Exact Sciences
Classification: Likely benign for PI4KA-related condition. Last evaluated: 2019-05-01. Review status: no assertion criteria provided. Collection method: clinical testing. Allele origin: germline.
Comment: This variant is classified as likely benign based on ACMG/AMP sequence variant interpretation guidelines (Richards et al. 2015 PMID: 25741868, with internal and published modifications).

NM_058004.4(PI4KA):c.4995+3A>G

Gene: PI4KA (phosphatidylinositol 4-kinase alpha; minus strand). Cytogenetic location: 22q11.21.
Variant type: single nucleotide variant.
Coding change: c.4995+3A>G on transcript NM_058004.4 (MANE Select); 3 bases into the intron after coding-DNA position 4995, A replaced by G.
Molecular consequence: intron variant.
Genome position (GRCh38, 1-based): chr22:20,726,485, T>C on the plus strand (A>G on the coding strand, the complement: PI4KA is on the minus strand). VCF-style: chr22-20726485-T-C. GRCh37 (hg19) VCF-style: chr22-21080773-T-C.
Other names: c.4929+3A>G (NM_001362863.2); c.4902+3A>G (NM_001362862.2).
Identifiers: ClinVar variation 3038209 (VCV003038209.2), dbSNP rs376201796, ClinGen allele CA10114889.